The following is an entry in ClinVar:

NC_000008.10:g.(?_90996743)_(90996789_?)del

Gene: NBN (nibrin; minus strand). Cytogenetic location: 8q21.3.
Variant type: Deletion.
Identifiers: ClinVar variation 1455599 (VCV001455599.3).

ClinVar aggregate classification (germline): Pathogenic (1 of 4 stars; one submission).

Conditions:
Microcephaly, normal intelligence and immunodeficiency (NBS). Also called: BERLIN BREAKAGE SYNDROME; Immunodeficiency, microcephaly with normal intelligence; IMMUNODEFICIENCY, MICROCEPHALY, AND CHROMOSOMAL INSTABILITY; SEEMANOVA SYNDROME II; Ataxia telangiectasia variant V1; Nijmegen breakage syndrome. Identifiers: Orphanet 647, MedGen C0398791, MONDO:0009623, OMIM 251260.

Submission:

Labcorp Genetics (formerly Invitae), Labcorp
Classification: Pathogenic for Microcephaly, normal intelligence and immunodeficiency. Last evaluated: 2021-10-18. Review status: criteria provided, single submitter. Criteria: Invitae Variant Classification Sherloc (09022015). Collection method: clinical testing. Allele origin: germline.
Comment: This variant is a gross deletion of the genomic region encompassing exon(s) 1 of the NBN gene, which includes the initiator codon. This deletion extends beyond the assayed region for this gene and therefore may encompass additional genes. It is expected to result in an absent or disrupted protein product. Loss-of-function variants in NBN are known to be pathogenic (PMID: 9590180, 16415040). This variant has not been reported in the literature in individuals affected with NBN-related conditions. For these reasons, this variant has been classified as Pathogenic.

Literature cited by the submitters: PubMed 9590180; PubMed 16415040.